The following is an entry in ClinVar:

NM_005121.3(MED13):c.1394G>C (p.Ser465Thr)

Gene: MED13 (mediator complex subunit 13; minus strand). Cytogenetic location: 17q23.2.
Variant type: single nucleotide variant.
Coding change: c.1394G>C on transcript NM_005121.3 (MANE Select); coding-DNA position 1394, G replaced by C.
Protein change: p.Ser465Thr; replaces serine 465 with threonine.
Molecular consequence: missense variant.
Genome position (GRCh38, 1-based): chr17:62,011,123, C>G on the plus strand (G>C on the coding strand, the complement: MED13 is on the minus strand). VCF-style: chr17-62011123-C-G. GRCh37 (hg19) VCF-style: chr17-60088484-C-G.
Other names: short protein forms S465T.
Identifiers: ClinVar variation 4624786 (VCV004624786.2).

ClinVar aggregate classification (germline): Likely benign. Review status: criteria provided, multiple submitters, no conflicts (2 of 4 stars). 2 submissions from 2 submitters: Likely benign (2). Last evaluated 2026-09-01.

Conditions:
Inborn genetic diseases. Identifiers: MedGen C0950123, MeSH D030342.

gnomAD v4.1: 20 of 1,614,104 alleles (0.0012%); highest among the groups gnomAD compares: Admixed American, 0.032%; no homozygotes.

Submissions (2):

CeGaT Center for Human Genetics Tuebingen
Classification: Likely benign. Last evaluated: 2026-09-01. Review status: criteria provided, single submitter. Criteria: CeGaT Center For Human Genetics Tuebingen Variant Classification Criteria Version 2. Collection method: clinical testing. Allele origin: germline. Affected: yes. Observed: 1 variant allele.
Comment: MED13: BP4, BS1:Supporting

Ambry Genetics
Classification: Likely benign for Inborn genetic diseases. Last evaluated: 2025-10-29. Review status: criteria provided, single submitter. Criteria: Ambry Variant Classification Scheme 2023. Collection method: clinical testing. Allele origin: germline.